The following is an entry in ClinVar:

NM_003126.4(SPTA1):c.4628C>A (p.Thr1543Asn)

Gene: SPTA1 (spectrin alpha, erythrocytic 1; minus strand). Cytogenetic location: 1q23.1.
Variant type: single nucleotide variant.
Coding change: c.4628C>A on transcript NM_003126.4 (MANE Select); coding-DNA position 4628, C replaced by A.
Protein change: p.Thr1543Asn; replaces threonine 1543 with asparagine.
Molecular consequence: missense variant.
Genome position (GRCh38, 1-based): chr1:158,642,520, G>T on the plus strand (C>A on the coding strand, the complement: SPTA1 is on the minus strand). VCF-style: chr1-158642520-G-T. GRCh37 (hg19) VCF-style: chr1-158612310-G-T.
Other names: p.Thr1543Asn; short protein forms T1543N.
Identifiers: ClinVar variation 3380018 (VCV003380018.1).

ClinVar aggregate classification (germline): Uncertain significance (1 of 4 stars; one submission).

Submission:

Mayo Clinic Laboratories, Mayo Clinic
Classification: Uncertain significance. Last evaluated: 2024-02-16. Review status: criteria provided, single submitter. Criteria: ACMG Guidelines, 2015. Collection method: clinical testing. Allele origin: germline. Observed: 1 variant allele.
Comment: BP4, PM2_moderate